The following is an entry in ClinVar:

ClinVar aggregate classification (germline): Uncertain significance (1 of 4 stars; one submission).

Conditions:
Encephalopathy, acute, infection-induced (herpes-specific), susceptibility to, 1. Also called: Herpes simplex encephalitis, susceptibility to, 1. Identifiers: Orphanet 1930, MedGen C2750180, MONDO:0024563, OMIM 610551.

gnomAD v4.1: 11 of 1,613,908 alleles (0.00068%); highest among the groups gnomAD compares: Non-Finnish European, 0.00059%; 1 homozygote.

Submission:

Labcorp Genetics (formerly Invitae), Labcorp
Classification: Uncertain significance for Encephalopathy, acute, infection-induced (herpes-specific), susceptibility to, 1. Last evaluated: 2024-06-26. Review status: criteria provided, single submitter. Criteria: Invitae Variant Classification Sherloc (09022015). Collection method: clinical testing. Allele origin: germline.
Comment: This sequence change replaces aspartic acid, which is acidic and polar, with asparagine, which is neutral and polar, at codon 857 of the TLR3 protein (p.Asp857Asn). This variant is present in population databases (rs747170185, gnomAD 0.0009%). This variant has not been reported in the literature in individuals affected with TLR3-related conditions. An algorithm developed to predict the effect of missense changes on protein structure and function (PolyPhen-2) suggests that this variant is likely to be disruptive. In summary, the available evidence is currently insufficient to determine the role of this variant in disease. Therefore, it has been classified as a Variant of Uncertain Significance.

NM_003265.3(TLR3):c.2569G>A (p.Asp857Asn)

Gene: TLR3 (toll like receptor 3; plus strand). Cytogenetic location: 4q35.1.
Variant type: single nucleotide variant.
Coding change: c.2569G>A on transcript NM_003265.3 (MANE Select); coding-DNA position 2569, G replaced by A.
Protein change: p.Asp857Asn; replaces aspartic acid 857 with asparagine.
Molecular consequence: missense variant.
Genome position (GRCh38, 1-based): chr4:186,084,727, G>A. VCF-style: chr4-186084727-G-A. GRCh37 (hg19) VCF-style: chr4-187005881-G-A.
Other names: short protein forms D857N.
Identifiers: ClinVar variation 3618333 (VCV003618333.2).